The following is an entry in ClinVar:

ClinVar aggregate classification (germline): Uncertain significance. Review status: criteria provided, multiple submitters, no conflicts (2 of 4 stars). 2 submissions from 2 submitters: Uncertain significance (2). Last evaluated 2025-12-14.

Conditions:
Primary ciliary dyskinesia. Also called: Ciliary dyskinesia. Identifiers: Orphanet 244, MedGen C0008780, MONDO:0016575, HP:0012265.

Allele frequency attached by ClinVar (database versions not stated): gnomAD 0.00001; TOPMed 0.00002; ExAC 0.00005.
gnomAD v4.1: 15 of 1,551,282 alleles (0.00097%); highest among the groups gnomAD compares: Admixed American, 0.013%; no homozygotes.

Submissions (2):

Labcorp Genetics (formerly Invitae), Labcorp
Classification: Uncertain significance for Primary ciliary dyskinesia. Last evaluated: 2025-12-14. Review status: criteria provided, single submitter. Criteria: Invitae Variant Classification Sherloc (09022015). Collection method: clinical testing. Allele origin: germline.
Comment: This sequence change replaces glutamic acid, which is acidic and polar, with lysine, which is basic and polar, at codon 889 of the DNAH11 protein (p.Glu889Lys). This variant is present in population databases (rs767231963, gnomAD 0.02%). This variant has not been reported in the literature in individuals affected with DNAH11-related conditions. ClinVar contains an entry for this variant (Variation ID: 1794492). An algorithm developed to predict the effect of missense changes on protein structure and function (PolyPhen-2) suggests that this variant is likely to be tolerated. In summary, the available evidence is currently insufficient to determine the role of this variant in disease. Therefore, it has been classified as a Variant of Uncertain Significance.

Ambry Genetics
Classification: Uncertain significance for Primary ciliary dyskinesia. Last evaluated: 2022-11-19. Review status: criteria provided, single submitter. Criteria: Ambry Variant Classification Scheme 2023. Collection method: clinical testing. Allele origin: germline.

NM_001277115.2(DNAH11):c.2665G>A (p.Glu889Lys)

Gene: DNAH11 (dynein axonemal heavy chain 11; plus strand). Cytogenetic location: 7p15.3.
Variant type: single nucleotide variant.
Coding change: c.2665G>A on transcript NM_001277115.2 (MANE Select); coding-DNA position 2665, G replaced by A.
Protein change: p.Glu889Lys; replaces glutamic acid 889 with lysine.
Molecular consequence: missense variant.
Genome position (GRCh38, 1-based): chr7:21,591,575, G>A. VCF-style: chr7-21591575-G-A. GRCh37 (hg19) VCF-style: chr7-21631193-G-A.
Other names: c.2665G>A, p.Glu889Lys (NM_003777.3); short protein forms E889K.
Identifiers: ClinVar variation 1794492 (VCV001794492.3), dbSNP rs767231963, ClinGen allele CA4179390.